The following is an entry in ClinVar:

ClinVar aggregate classification (germline): Conflicting classifications of pathogenicity. Review status: criteria provided, conflicting classifications (1 of 4 stars). 3 submissions from 3 submitters: Uncertain significance (1); Likely benign (1). 1 of the submissions does not count toward it. Last evaluated 2025-12-28.

Conditions:
Nemaline myopathy 2 (NEM2). Also called: Nemaline myopathy 2, autosomal recessive. Identifiers: MedGen C1850569, MONDO:0009725, OMIM 256030.

Allele frequency attached by ClinVar (database versions not stated): TOPMed 0.00002; ExAC 0.00003; gnomAD exomes 0.00003.
gnomAD v4.1: 42 of 1,613,586 alleles (0.0026%); highest among the groups gnomAD compares: Admixed American, 0.005%; no homozygotes.

Submissions (3):

Labcorp Genetics (formerly Invitae), Labcorp
Classification: Likely benign for Nemaline myopathy 2. Last evaluated: 2025-12-28. Review status: criteria provided, single submitter. Criteria: Invitae Variant Classification Sherloc (09022015). Collection method: clinical testing. Allele origin: germline.

GeneDx
Classification: Uncertain significance. Last evaluated: 2023-01-08. Review status: criteria provided, single submitter. Criteria: GeneDx Variant Classification Process June 2021. Collection method: clinical testing. Allele origin: germline. Affected: yes.
Comment: Not observed at significant frequency in large population cohorts (gnomAD); In silico analysis supports that this missense variant does not alter protein structure/function; Has not been previously published as pathogenic or benign to our knowledge

Natera, Inc.
Classification: Uncertain significance for Nemaline myopathy type 2. Last evaluated: 2020-02-21. Review status: no assertion criteria provided. Collection method: clinical testing. Allele origin: germline. Not counted in ClinVar's aggregate classification.

NM_001164508.2(NEB):c.9769G>A (p.Asp3257Asn)

Gene: NEB (nebulin; minus strand). Cytogenetic location: 2q23.3.
Variant type: single nucleotide variant.
Coding change: c.9769G>A on transcript NM_001164508.2 (MANE Select); coding-DNA position 9769, G replaced by A.
Protein change: p.Asp3257Asn; replaces aspartic acid 3257 with asparagine.
Molecular consequence: missense variant.
Genome position (GRCh38, 1-based): chr2:151,629,601, C>T on the plus strand (G>A on the coding strand, the complement: NEB is on the minus strand). VCF-style: chr2-151629601-C-T. GRCh37 (hg19) VCF-style: chr2-152486115-C-T.
Other names: c.9769G>A, p.Asp3257Asn (NM_001164507.2, NM_001271208.2); c.9040G>A, p.Asp3014Asn (NM_004543.5); short protein forms D3257N, D3014N.
Identifiers: ClinVar variation 964884 (VCV000964884.10), dbSNP rs780275367, ClinGen allele CA1909210.